The following is an entry in ClinVar:

ClinVar aggregate classification (germline): Likely benign. Review status: criteria provided, multiple submitters, no conflicts (2 of 4 stars). 2 submissions from 2 submitters: Likely benign (2). Last evaluated 2025-03-16.

Conditions:
Myopathy, centronuclear, 2 (CNM2). Also called: MYOTUBULAR MYOPATHY, AUTOSOMAL RECESSIVE. Identifiers: Orphanet 169186, MedGen CN031787, MONDO:0009709, OMIM 255200.

Allele frequency attached by ClinVar (database versions not stated): ESP Exome Variant Server 0.00008; 1000 Genomes Project 30x 0.00016; ExAC 0.00017; 1000 Genomes Project 0.00020.
gnomAD v4.1: 101 of 1,613,894 alleles (0.0063%); highest among the groups gnomAD compares: South Asian, 0.068%; no homozygotes.

Submissions (2):

Labcorp Genetics (formerly Invitae), Labcorp
Classification: Likely benign for Myopathy, centronuclear, 2. Last evaluated: 2025-03-16. Review status: criteria provided, single submitter. Criteria: Invitae Variant Classification Sherloc (09022015). Collection method: clinical testing. Allele origin: germline.

CeGaT Center for Human Genetics Tuebingen
Classification: Likely benign. Last evaluated: 2022-08-01. Review status: criteria provided, single submitter. Criteria: CeGaT Center For Human Genetics Tuebingen Variant Classification Criteria Version 2. Collection method: clinical testing. Allele origin: germline. Affected: yes. Observed: 1 variant allele.
Comment: BIN1: BP4, BP7

NM_139343.3(BIN1):c.1515C>T (p.Thr505=)

Gene: BIN1 (bridging integrator 1; minus strand). Cytogenetic location: 2q14.3.
Variant type: single nucleotide variant.
Coding change: c.1515C>T on transcript NM_139343.3 (MANE Select); coding-DNA position 1515, C replaced by T.
Protein change: p.Thr505=; no amino-acid change (threonine 505 retained).
Molecular consequence: synonymous variant.
Genome position (GRCh38, 1-based): chr2:127,050,859, G>A on the plus strand (C>T on the coding strand, the complement: BIN1 is on the minus strand). VCF-style: chr2-127050859-G-A. GRCh37 (hg19) VCF-style: chr2-127808435-G-A.
Other names: c.1008C>T, p.Thr336= (NM_001320632.2); c.1146C>T, p.Thr382= (NM_001320633.2); c.891C>T, p.Thr297= (NM_001320634.1); c.1275C>T, p.Thr425= (NM_001320640.2); c.1422C>T, p.Thr474= (NM_001320641.2); c.1434C>T, p.Thr478= (NM_001320642.1); c.1098C>T, p.Thr366= (NM_004305.4); c.1386C>T, p.Thr462= (NM_139344.3); and 7 more.
Identifiers: ClinVar variation 1158777 (VCV001158777.33), dbSNP rs375583449, ClinGen allele CA1857017.